The following is an entry in ClinVar:

NM_001377.3(DYNC2H1):c.12348T>G (p.Ser4116Arg)

Gene: DYNC2H1 (dynein cytoplasmic 2 heavy chain 1; plus strand). Cytogenetic location: 11q22.3.
Variant type: single nucleotide variant.
Coding change: c.12348T>G on transcript NM_001377.3 (MANE Select); coding-DNA position 12348, T replaced by G.
Protein change: p.Ser4116Arg; replaces serine 4116 with arginine.
Molecular consequence: missense variant.
Genome position (GRCh38, 1-based): chr11:103,399,854, T>G. VCF-style: chr11-103399854-T-G. GRCh37 (hg19) VCF-style: chr11-103270582-T-G.
Other names: c.12369T>G, p.Ser4123Arg (NM_001080463.2); short protein forms S4116R, S4123R.
Identifiers: ClinVar variation 5037649 (VCV005037649.1).
Genomic context (GRCh38, chr11:103,399,854, plus strand): 5'-TCTCAGCAAAGTCATCAGAGGAACTACTTTACTGAGTTCAGAAGTACAAAAATTGGCAAG[T>G]GCTTTATTAAACCAAAAGGTAAGCGAGTACTAACTGTATGTATTTTTATTTCATTGTTAT-3'
Protein context (NP_001368.2, residues 4106-4126): LLSSEVQKLA[Ser4116Arg]ALLNQKCPLA

ClinVar aggregate classification (germline): Uncertain significance (1 of 4 stars; one submission).

gnomAD v4.1: 1 of 1,613,694 alleles (0.000062%); highest among the groups gnomAD compares: South Asian, 0.0011%; no homozygotes.

Submission:

GeneDx
Classification: Uncertain significance. Last evaluated: 2026-04-24. Review status: criteria provided, single submitter. Criteria: GeneDx Variant Classification Process June 2021. Collection method: clinical testing. Allele origin: germline.
Comment: Not observed at significant frequency in large population cohorts (gnomAD); In silico analysis suggests that this missense variant does not alter protein structure/function; Has not been previously published as pathogenic or benign to our knowledge